The following is an entry in ClinVar:

NM_004958.4(MTOR):c.3849G>T (p.Trp1283Cys)

Gene: MTOR (mechanistic target of rapamycin kinase; minus strand). Cytogenetic location: 1p36.22.
Variant type: single nucleotide variant.
Coding change: c.3849G>T on transcript NM_004958.4 (MANE Select); coding-DNA position 3849, G replaced by T.
Protein change: p.Trp1283Cys; replaces tryptophan 1283 with cysteine.
Molecular consequence: missense variant.
Genome position (GRCh38, 1-based): chr1:11,204,656, C>A on the plus strand (G>T on the coding strand, the complement: MTOR is on the minus strand). VCF-style: chr1-11204656-C-A. GRCh37 (hg19) VCF-style: chr1-11264713-C-A.
Other names: c.3849G>T (NM_004958.3); short protein forms W1283C.
Identifiers: ClinVar variation 1014971 (VCV001014971.11), dbSNP rs1646081483, ClinGen allele CA338393792.

ClinVar aggregate classification (germline): Uncertain significance. Review status: criteria provided, multiple submitters, no conflicts (2 of 4 stars). 2 submissions from 2 submitters: Uncertain significance (2). Last evaluated 2023-03-27.

Conditions:
Inborn genetic diseases. Identifiers: MedGen C0950123, MeSH D030342.

Submissions (2):

Ambry Genetics
Classification: Uncertain significance for Inborn genetic diseases. Last evaluated: 2023-03-27. Review status: criteria provided, single submitter. Criteria: Ambry Variant Classification Scheme 2023. Collection method: clinical testing. Allele origin: germline.
Comment: The c.3849G>T (p.W1283C) alteration is located in exon 26 (coding exon 25) of the MTOR gene. This alteration results from a G to T substitution at nucleotide position 3849, causing the tryptophan (W) at amino acid position 1283 to be replaced by a cysteine (C). This variant was not reported in population-based cohorts in the Genome Aggregation Database (gnomAD). This amino acid position is highly conserved in available vertebrate species. This alteration is predicted to be deleterious by in silico analysis. Based on insufficient or conflicting evidence, the clinical significance of this alteration remains unclear.

Labcorp Genetics (formerly Invitae), Labcorp
Classification: Uncertain significance. Last evaluated: 2018-01-24. Review status: criteria provided, single submitter. Criteria: Invitae Variant Classification Sherloc (09022015). Collection method: clinical testing. Allele origin: germline.
Comment: In summary, the available evidence is currently insufficient to determine the role of this variant in disease. Therefore, it has been classified as a Variant of Uncertain Significance. Algorithms developed to predict the effect of missense changes on protein structure and function do not agree on the potential impact of this missense change (SIFT: "Deleterious"; PolyPhen-2: "Probably Damaging"; Align-GVGD: "Class C0"). This variant has not been reported in the literature in individuals with MTOR-related disease. This variant is not present in population databases (ExAC no frequency). This sequence change replaces tryptophan with cysteine at codon 1283 of the MTOR protein (p.Trp1283Cys). The tryptophan residue is highly conserved and there is a large physicochemical difference between tryptophan and cysteine.